The following is an entry in ClinVar:

ClinVar aggregate classification (germline): Likely benign. Review status: criteria provided, multiple submitters, no conflicts (2 of 4 stars). 2 submissions from 2 submitters: Likely benign (2). Last evaluated 2018-06-16.

Allele frequency attached by ClinVar (database versions not stated): gnomAD exomes 0.00111 and 0.00275; ExAC 0.00454; 1000 Genomes Project 0.01178; gnomAD 0.01246 and 0.01347; 1000 Genomes Project 30x 0.01343; ESP Exome Variant Server 0.01358; TOPMed 0.01408.
gnomAD v4.1: 3,283 of 1,338,008 alleles (0.25%); highest among the groups gnomAD compares: African/African-American, 4.3%; 66 homozygotes.

Submissions (2):

GeneDx
Classification: Likely benign. Last evaluated: 2018-06-16. Review status: criteria provided, single submitter. Criteria: GeneDx Variant Classification (06012015). Collection method: clinical testing. Allele origin: germline. Affected: yes.
Comment: This variant is considered likely benign or benign based on one or more of the following criteria: it is a conservative change, it occurs at a poorly conserved position in the protein, it is predicted to be benign by multiple in silico algorithms, and/or has population frequency not consistent with disease.

Breakthrough Genomics
Classification: Likely benign. Review status: criteria provided, single submitter. Criteria: ACMG Guidelines, 2015. Collection method: not provided. Allele origin: germline. Inheritance: Autosomal dominant inheritance. Affected: yes.

NM_001134363.3(RBM20):c.1527+22C>G

Gene: RBM20 (RNA binding motif protein 20; plus strand). Cytogenetic location: 10q25.2.
Variant type: single nucleotide variant.
Coding change: c.1527+22C>G on transcript NM_001134363.3 (MANE Select); 22 bases into the intron after coding-DNA position 1527, C replaced by G.
Molecular consequence: intron variant.
Genome position (GRCh38, 1-based): chr10:110,784,911, C>G. VCF-style: chr10-110784911-C-G. GRCh37 (hg19) VCF-style: chr10-112544669-C-G.
Identifiers: ClinVar variation 671443 (VCV000671443.2), dbSNP rs182147793, ClinGen allele CA5688607.